The following is an entry in ClinVar:

ClinVar aggregate classification (germline): Uncertain significance. Review status: criteria provided, multiple submitters, no conflicts (2 of 4 stars). 2 submissions from 2 submitters: Uncertain significance (2). Last evaluated 2025-08-05.

Conditions:
Familial thoracic aortic aneurysm and aortic dissection (TAAD). Also called: Thoracic aortic aneurysms and dissections. Identifiers: Orphanet 91387, MedGen C4707243, MONDO:0019625.
Melnick-Needles syndrome (MNS). Also called: MELNICK-NEEDLES OSTEODYSPLASTY; Melnick-Needles Syndrome (FLNA-MNS); OSTEODYSPLASTY OF MELNICK AND NEEDLES. Identifiers: Orphanet 2484, MedGen C0025237, MONDO:0010650, OMIM 309350.
Frontometaphyseal dysplasia (FMD1). Identifiers: Orphanet 1826, MedGen C0265293, MONDO:0015942.
Heterotopia, periventricular, X-linked dominant (PVNH1). Also called: PERIVENTRICULAR NODULAR HETEROTOPIA 1; X-linked periventricular heterotopia; PERIVENTRICULAR NODULAR HETEROTOPIA 4; HETEROTOPIA, PERIVENTRICULAR, 1. Identifiers: Orphanet 2149, Orphanet 82004, MedGen C1848213, MONDO:0010233, OMIM 300049.
Oto-palato-digital syndrome, type II (OPD2). Also called: FACIOPALATOOSSEOUS SYNDROME; Otopalatodigital Syndrome Type 2 (FLNA-OPD2); OPD II SYNDROME; Otopalatodigital Syndrome, Type II. Identifiers: Orphanet 669, Orphanet 90652, MedGen C1844696, MONDO:0010571, OMIM 304120.

Submissions (2):

Ambry Genetics
Classification: Uncertain significance for Familial thoracic aortic aneurysm and aortic dissection. Last evaluated: 2025-08-05. Review status: criteria provided, single submitter. Criteria: Ambry Variant Classification Scheme 2023. Collection method: clinical testing. Allele origin: germline.
Comment: The c.1429G>A (p.A477T) alteration is located in exon 9 (coding exon 8) of the FLNA gene. This alteration results from a G to A substitution at nucleotide position 1429, causing the alanine (A) at amino acid position 477 to be replaced by a threonine (T). However, this change occurs in the last base pair of coding exon 8, which makes it likely to have some effect on normal mRNA splicing. This variant was not reported in population-based cohorts in the Genome Aggregation Database (gnomAD). This nucleotide position is highly conserved in available vertebrate species. This amino acid position is highly conserved in available vertebrate species. The in silico prediction for this alteration is inconclusive. In silico splice site analysis predicts that this alteration may weaken the native splice donor site. Based on insufficient or conflicting evidence, the clinical significance of this alteration remains unclear.

Labcorp Genetics (formerly Invitae), Labcorp
Classification: Uncertain significance for Oto-palato-digital syndrome, type II; Heterotopia, periventricular, X-linked dominant; Frontometaphyseal dysplasia; Melnick-Needles syndrome. Last evaluated: 2021-10-21. Review status: criteria provided, single submitter. Criteria: Invitae Variant Classification Sherloc (09022015). Collection method: clinical testing. Allele origin: germline.
Comment: In summary, the available evidence is currently insufficient to determine the role of this variant in disease. Therefore, it has been classified as a Variant of Uncertain Significance. Variants that disrupt the consensus splice site are a relatively common cause of aberrant splicing (PMID: 17576681, 9536098). Algorithms developed to predict the effect of sequence changes on RNA splicing suggest that this variant may disrupt the consensus splice site. Algorithms developed to predict the effect of missense changes on protein structure and function are either unavailable or do not agree on the potential impact of this missense change (SIFT: "Deleterious"; PolyPhen-2: "Probably Damaging"; Align-GVGD: "Class C0"). This variant has not been reported in the literature in individuals affected with FLNA-related conditions. This variant is not present in population databases (gnomAD no frequency). This sequence change replaces alanine, which is neutral and non-polar, with threonine, which is neutral and polar, at codon 477 of the FLNA protein (p.Ala477Thr). This variant also falls at the last nucleotide of exon 9, which is part of the consensus splice site for this exon.

Literature cited by the submitters: PubMed 17576681 (cited by Labcorp Genetics (formerly Invitae), Labcorp); PubMed 9536098 (cited by Labcorp Genetics (formerly Invitae), Labcorp).

NM_001110556.2(FLNA):c.1429G>A (p.Ala477Thr)

Gene: FLNA (filamin A; minus strand). Cytogenetic location: Xq28.
Variant type: single nucleotide variant.
Coding change: c.1429G>A on transcript NM_001110556.2 (MANE Select); coding-DNA position 1429, G replaced by A.
Protein change: p.Ala477Thr; replaces alanine 477 with threonine.
Molecular consequence: missense variant.
Genome position (GRCh38, 1-based): chrX:154,366,024, C>T on the plus strand (G>A on the coding strand, the complement: FLNA is on the minus strand). VCF-style: chrX-154366024-C-T. GRCh37 (hg19) VCF-style: chrX-153594392-C-T.
Other names: c.1429G>A (NM_001456.3); c.1429G>A, p.Ala477Thr (NM_001456.4); short protein forms A477T.
Identifiers: ClinVar variation 1422290 (VCV001422290.7), dbSNP rs2148117564, ClinGen allele CA415243600.